The following is an entry in ClinVar:

NM_000540.3(RYR1):c.7336G>T (p.Gly2446Cys)

Gene: RYR1 (ryanodine receptor 1; plus strand). Cytogenetic location: 19q13.2.
Variant type: single nucleotide variant.
Coding change: c.7336G>T on transcript NM_000540.3 (MANE Select); coding-DNA position 7336, G replaced by T.
Protein change: p.Gly2446Cys; replaces glycine 2446 with cysteine.
Molecular consequence: missense variant.
Genome position (GRCh38, 1-based): chr19:38,500,618, G>T. VCF-style: chr19-38500618-G-T. GRCh37 (hg19) VCF-style: chr19-38991258-G-T.
Other names: c.7336G>T, p.Gly2446Cys (NM_001042723.2); short protein forms G2446C.
Identifiers: ClinVar variation 3020982 (VCV003020982.4), dbSNP rs375148516, ClinGen allele CA405669861.
Genomic context (GRCh38, chr19:38,500,618, plus strand): 5'-GGGCACCAGCGCCTGATGAGTGCCCCTCTCCCTCCCTCTACTCCCCAGCTAATCCAAGCC[G>T]GCAAGGGTGAGGCCCTGCGGATCCGCGCCATCCTCCGCTCCCTTGTGCCCTTGGAGGACC-3'
Protein context (NP_000531.2, residues 2436-2456): CAPEMHLIQA[Gly2446Cys]KGEALRIRAI

ClinVar aggregate classification (germline): Uncertain significance. Review status: criteria provided, multiple submitters, no conflicts (2 of 4 stars). 2 submissions from 2 submitters: Uncertain significance (2). Last evaluated 2024-02-05.

Conditions:
Malignant hyperthermia, susceptibility to, 1 (MHS1). Also called: Anesthesia related hyperthermia; Malignant hyperpyrexia; Fulminating hyperpyrexia; Pharmacogenic myopathy; RYR1-Related Malignant Hyperthermia Susceptibility; Malignant hyperthermia suceptibility 1. Identifiers: Orphanet 423, MedGen C2930980, MONDO:0007783, OMIM 145600.
RYR1-related disorder. Also called: RYR1-related disorders; RYR1-related condition. Identifiers: MedGen CN239331.

Submissions (2):

All of Us Research Program, National Institutes of Health
Classification: Uncertain significance for Malignant hyperthermia, susceptibility to, 1. Last evaluated: 2024-02-05. Review status: criteria provided, single submitter. Criteria: ACMG Guidelines, 2015. Collection method: clinical testing. Allele origin: germline. Inheritance: Autosomal dominant inheritance. Observed: 1 variant allele, 1 heterozygote.
Comment: This missense variant replaces glycine with cysteine at codon 2446 of the RYR1 protein. Computational prediction is inconclusive regarding the impact of this variant on protein structure and function (internally defined REVEL score threshold 0.5 < inconclusive < 0.7, PMID: 27666373). To our knowledge, functional studies have not been reported for this variant. This variant has not been reported in individuals affected with RYR1-related disorders in the literature. This variant has not been identified in the general population by the Genome Aggregation Database (gnomAD). The available evidence is insufficient to determine the role of this variant in disease conclusively. Therefore, this variant is classified as a Variant of Uncertain Significance.

This study involves interpretation of variants in research participants for the purpose of population health screening. Participant phenotype was not available at the time of variant classification. Additional details can be found in publication PMID: 35346344, PMCID: PMC8962531

Labcorp Genetics (formerly Invitae), Labcorp
Classification: Uncertain significance for RYR1-related disorder. Last evaluated: 2022-11-28. Review status: criteria provided, single submitter. Criteria: Invitae Variant Classification Sherloc (09022015). Collection method: clinical testing. Allele origin: germline.
Comment: This variant has not been reported in the literature in individuals affected with RYR1-related conditions. This sequence change replaces glycine, which is neutral and non-polar, with cysteine, which is neutral and slightly polar, at codon 2446 of the RYR1 protein (p.Gly2446Cys). This variant is not present in population databases (gnomAD no frequency). Algorithms developed to predict the effect of missense changes on protein structure and function output the following: SIFT: "Tolerated"; PolyPhen-2: "Possibly Damaging"; Align-GVGD: "Class C0". The cysteine amino acid residue is found in multiple mammalian species, which suggests that this missense change does not adversely affect protein function. In summary, the available evidence is currently insufficient to determine the role of this variant in disease. Therefore, it has been classified as a Variant of Uncertain Significance.